The following is an entry in ClinVar:

NM_004656.4(BAP1):c.1679G>A (p.Gly560Asp)

Gene: BAP1 (BRCA1 associated deubiquitinase 1; minus strand). Cytogenetic location: 3p21.1.
Variant type: single nucleotide variant.
Coding change: c.1679G>A on transcript NM_004656.4 (MANE Select); coding-DNA position 1679, G replaced by A.
Protein change: p.Gly560Asp; replaces glycine 560 with aspartic acid.
Molecular consequence: missense variant.
Genome position (GRCh38, 1-based): chr3:52,403,466, C>T on the plus strand (G>A on the coding strand, the complement: BAP1 is on the minus strand). VCF-style: chr3-52403466-C-T. GRCh37 (hg19) VCF-style: chr3-52437482-C-T.
Other names: c.1679G>A (NM_004656.2); short protein forms G560D.
Identifiers: ClinVar variation 1350198 (VCV001350198.7), dbSNP rs1705037680, ClinGen allele CA353099892.

ClinVar aggregate classification (germline): Uncertain significance. Review status: criteria provided, multiple submitters, no conflicts (2 of 4 stars). 2 submissions from 2 submitters: Uncertain significance (2). Last evaluated 2026-05-24.

Conditions:
Hereditary cancer-predisposing syndrome. Also called: Neoplastic Syndromes, Hereditary; Tumor predisposition; Hereditary Cancer Syndrome; Hereditary neoplastic syndrome. Identifiers: Orphanet 140162, MedGen C0027672, MeSH D009386, MONDO:0015356.
BAP1-related tumor predisposition syndrome (TPDS1). Also called: Tumor susceptibility linked to germline BAP1 mutations; BAP1 tumor predisposition syndrome; COMMON Syndrome; TUMOR PREDISPOSITION SYNDROME 1. Identifiers: Orphanet 289539, MedGen C3280492, MONDO:0013692, OMIM 614327.

Allele frequency attached by ClinVar (database versions not stated): gnomAD exomes 0.00001; gnomAD 0.00001.
gnomAD v4.1: 7 of 1,613,854 alleles (0.00043%); highest among the groups gnomAD compares: Admixed American, 0.0017%; no homozygotes.

Submissions (2):

Ambry Genetics
Classification: Uncertain significance for Hereditary cancer-predisposing syndrome. Last evaluated: 2026-05-24. Review status: criteria provided, single submitter. Criteria: Ambry Variant Classification Scheme 2023. Collection method: clinical testing. Allele origin: germline.
Comment: The p.G560D variant (also known as c.1679G>A), located in coding exon 13 of the BAP1 gene, results from a G to A substitution at nucleotide position 1679. The glycine at codon 560 is replaced by aspartic acid, an amino acid with similar properties. This amino acid position is conserved. In addition, this alteration is predicted to be tolerated by in silico analysis. Based on the available evidence, the clinical significance of this variant remains unclear.

Labcorp Genetics (formerly Invitae), Labcorp
Classification: Uncertain significance for BAP1-related tumor predisposition syndrome. Last evaluated: 2024-12-08. Review status: criteria provided, single submitter. Criteria: Invitae Variant Classification Sherloc (09022015). Collection method: clinical testing. Allele origin: germline.
Comment: This sequence change replaces glycine, which is neutral and non-polar, with aspartic acid, which is acidic and polar, at codon 560 of the BAP1 protein (p.Gly560Asp). This variant is not present in population databases (gnomAD no frequency). This variant has not been reported in the literature in individuals affected with BAP1-related conditions. ClinVar contains an entry for this variant (Variation ID: 1350198). Invitae Evidence Modeling of protein sequence and biophysical properties (such as structural, functional, and spatial information, amino acid conservation, physicochemical variation, residue mobility, and thermodynamic stability) indicates that this missense variant is not expected to disrupt BAP1 protein function with a negative predictive value of 80%. In summary, the available evidence is currently insufficient to determine the role of this variant in disease. Therefore, it has been classified as a Variant of Uncertain Significance.